The following is an entry in ClinVar:

ClinVar aggregate classification (germline): Benign. Review status: criteria provided, multiple submitters, no conflicts (2 of 4 stars). 2 submissions from 2 submitters: Benign (2). Last evaluated 2018-07-13.

Allele frequency attached by ClinVar (database versions not stated): ESP Exome Variant Server 0.18964; TOPMed 0.18996; gnomAD 0.20131 and 0.21169; 1000 Genomes Project 30x 0.24407; 1000 Genomes Project 0.25699; gnomAD exomes 0.26743 and 0.26781; ExAC 0.26963.
gnomAD v4.1: 422,987 of 1,612,852 alleles (26%); highest among the groups gnomAD compares: East Asian, 52%; 60,509 homozygotes.

Submissions (2):

GeneDx
Classification: Benign. Last evaluated: 2018-07-13. Review status: criteria provided, single submitter. Criteria: GeneDx Variant Classification Process June 2021. Collection method: clinical testing. Allele origin: germline. Affected: yes.
Comment: This variant is associated with the following publications: (PMID: 30389748, 29632382)

Breakthrough Genomics
Classification: Benign. Review status: criteria provided, single submitter. Criteria: ACMG Guidelines, 2015. Collection method: not provided. Allele origin: germline. Inheritance: Unknown mechanism. Affected: yes.

NM_014653.4(WSCD2):c.797C>T (p.Thr266Ile)

Gene: WSCD2 (WSC domain containing 2; plus strand). Cytogenetic location: 12q23.3.
Variant type: single nucleotide variant.
Coding change: c.797C>T on transcript NM_014653.4 (MANE Select); coding-DNA position 797, C replaced by T.
Protein change: p.Thr266Ile; replaces threonine 266 with isoleucine.
Molecular consequence: missense variant.
Genome position (GRCh38, 1-based): chr12:108,224,853, C>T. VCF-style: chr12-108224853-C-T. GRCh37 (hg19) VCF-style: chr12-108618630-C-T.
Other names: c.797C>T, p.Thr266Ile (NM_001304447.2); short protein forms T266I.
Identifiers: ClinVar variation 1233855 (VCV001233855.4), dbSNP rs3764002, ClinGen allele CA6766832.